The following is an entry in ClinVar:

ClinVar aggregate classification (germline): Uncertain significance (1 of 4 stars; one submission).

Conditions:
Jeune thoracic dystrophy. Also called: Jeune syndrome; Infantile thoracic dystrophy; Thoracic pelvic phalangeal dystrophy; Jeune's syndrome; Chondroectodermal dysplasia-like syndrome; Short-rib thoracic dysplasia. Identifiers: Orphanet 474, MedGen C0265275, MONDO:0018770.
Nephronophthisis. Also called: Juvenile Nephronophthisis. Identifiers: Orphanet 655, MedGen C0687120, MONDO:0019005, HP:0000090.

Submission:

Labcorp Genetics (formerly Invitae), Labcorp
Classification: Uncertain significance for Jeune thoracic dystrophy; Nephronophthisis. Last evaluated: 2021-02-22. Review status: criteria provided, single submitter. Criteria: Invitae Variant Classification Sherloc (09022015). Collection method: clinical testing. Allele origin: germline.
Comment: In summary, the available evidence is currently insufficient to determine the role of this variant in disease. Therefore, it has been classified as a Variant of Uncertain Significance. This sequence change replaces leucine with methionine at codon 586 of the TTC21B protein (p.Leu586Met). The leucine residue is highly conserved and there is a small physicochemical difference between leucine and methionine. This variant is not present in population databases (ExAC no frequency). This variant has not been reported in the literature in individuals with TTC21B-related conditions. Algorithms developed to predict the effect of missense changes on protein structure and function are either unavailable or do not agree on the potential impact of this missense change (SIFT: "Deleterious"; PolyPhen-2: "Probably Damaging"; Align-GVGD: "Class C0").

NM_024753.5(TTC21B):c.1756C>A (p.Leu586Met)

Gene: TTC21B (tetratricopeptide repeat domain 21B; minus strand). Cytogenetic location: 2q24.3.
Variant type: single nucleotide variant.
Coding change: c.1756C>A on transcript NM_024753.5 (MANE Select); coding-DNA position 1756, C replaced by A.
Protein change: p.Leu586Met; replaces leucine 586 with methionine.
Molecular consequence: missense variant.
Genome position (GRCh38, 1-based): chr2:165,917,400, G>T on the plus strand (C>A on the coding strand, the complement: TTC21B is on the minus strand). VCF-style: chr2-165917400-G-T. GRCh37 (hg19) VCF-style: chr2-166773910-G-T.
Other names: short protein forms L586M.
Identifiers: ClinVar variation 1512797 (VCV001512797.8), dbSNP rs1686216272, ClinGen allele CA349060273.